The following is an entry in ClinVar:

ClinVar aggregate classification (germline): Pathogenic (1 of 4 stars; one submission).

Conditions:
Breast-ovarian cancer, familial, susceptibility to, 2 (BROVCA2). Also called: BRCA2 Hereditary Breast and Ovarian Cancer. Identifiers: Orphanet 145, MedGen C2675520, MONDO:0012933, OMIM 612555. Disease mechanism: loss of function.

Submission:

Myriad Genetics, Inc.
Classification: Pathogenic for Breast-ovarian cancer, familial, susceptibility to, 2. Last evaluated: 2024-12-17. Review status: criteria provided, single submitter. Criteria: Myriad Autosomal Dominant, Autosomal Recessive and X-Linked Classification Criteria (2023). Collection method: clinical testing. Allele origin: unknown.
Comment: This variant is considered pathogenic. This variant creates a frameshift predicted to result in premature protein truncation.

NM_000059.4(BRCA2):c.6294_6295del (p.Arg2099fs)

Gene: BRCA2 (BRCA2 DNA repair associated; plus strand). Cytogenetic location: 13q13.1.
Variant type: Deletion.
Coding change: c.6294_6295del on transcript NM_000059.4 (MANE Select); coding-DNA positions 6294 to 6295, 2 bases deleted (TA; older notation c.6294_6295delTA).
Protein change: p.Arg2099fs; shifts the reading frame from arginine 2099.
Molecular consequence: frameshift variant. On other transcripts: non-coding transcript variant (1), intron variant (2).
Genome position (GRCh38, 1-based): chr13:32,340,649-32,340,650, TA deleted. VCF-style (leftmost placement, unchanged base first): chr13-32340648-CTA-C. GRCh37 (hg19) VCF-style: chr13-32914785-CTA-C.
Other names: c.6294_6295del, p.Arg2099fs (NM_001406719.1, NM_001406720.1, NM_001432077.1); c.1910-3909_1910-3908del (NM_001406721.1); c.425-3909_425-3908del (NM_001406722.1); short protein forms R2099fs.
Identifiers: ClinVar variation 3904680 (VCV003904680.1).
Genomic context (GRCh38, chr13:32,340,648, plus strand): 5'-GAGTGTTAGAGGAATTTGATTTAATCAGAACTGAGCATAGTCTTCACTATTCACCTACGT[CTA>C]GACAAAATGTATCAAAAATACTTCCTCGTGTTGATAAGAGAAACCCAGAGCACTGTGTAA-3'